The following is an entry in ClinVar:

ClinVar aggregate classification (germline): Uncertain significance (1 of 4 stars; one submission).

Submission:

Labcorp Genetics (formerly Invitae), Labcorp
Classification: Uncertain significance. Last evaluated: 2026-01-05. Review status: criteria provided, single submitter. Criteria: Invitae Variant Classification Sherloc (09022015). Collection method: clinical testing. Allele origin: germline.
Comment: This sequence change replaces proline, which is neutral and non-polar, with alanine, which is neutral and non-polar, at codon 817 of the STAG2 protein (p.Pro817Ala). This variant is not present in population databases (gnomAD no frequency). This variant has not been reported in the literature in individuals affected with STAG2-related conditions. ClinVar contains an entry for this variant (Variation ID: 2759282). Invitae Evidence Modeling of protein sequence and biophysical properties (such as structural, functional, and spatial information, amino acid conservation, physicochemical variation, residue mobility, and thermodynamic stability) indicates that this missense variant is not expected to disrupt STAG2 protein function with a negative predictive value of 80%. In summary, the available evidence is currently insufficient to determine the role of this variant in disease. Therefore, it has been classified as a Variant of Uncertain Significance.

NM_001042750.2(STAG2):c.2449C>G (p.Pro817Ala)

Gene: STAG2 (STAG2 cohesin complex component; plus strand). Cytogenetic location: Xq25.
Variant type: single nucleotide variant.
Coding change: c.2449C>G on transcript NM_001042750.2 (MANE Select); coding-DNA position 2449, C replaced by G.
Protein change: p.Pro817Ala; replaces proline 817 with alanine.
Molecular consequence: missense variant.
Genome position (GRCh38, 1-based): chrX:124,071,239, C>G. VCF-style: chrX-124071239-C-G. GRCh37 (hg19) VCF-style: chrX-123205089-C-G.
Other names: c.2449C>G, p.Pro817Ala (NM_001042751.2, NM_001282418.2, NM_001375366.1 and 13 more transcripts); short protein forms P817A.
Identifiers: ClinVar variation 2759282 (VCV002759282.3), dbSNP rs2522030195, ClinGen allele CA414276370.